The following is an entry in ClinVar:

ClinVar aggregate classification (germline): Benign/Likely benign. Review status: criteria provided, multiple submitters, no conflicts (2 of 4 stars). 4 submissions from 4 submitters: Benign (1); Likely benign (2). 1 of the submissions does not count toward it. Last evaluated 2026-07-10.

Conditions:
SMARCA4-related disorder. Also called: SMARCA4-related condition.
Rhabdoid tumor predisposition syndrome 2 (RTPS2). Identifiers: Orphanet 231108, Orphanet 69077, MedGen C2750074, MONDO:0013224, OMIM 613325.
Hereditary cancer-predisposing syndrome. Also called: Hereditary neoplastic syndrome; Neoplastic Syndromes, Hereditary; Tumor predisposition; Hereditary Cancer Syndrome. Identifiers: Orphanet 140162, MedGen C0027672, MeSH D009386, MONDO:0015356.

Allele frequency attached by ClinVar (database versions not stated): gnomAD exomes 0.00001; gnomAD 0.00001; ESP Exome Variant Server 0.00008; ExAC 0.00002; TOPMed 0.00002.

Submissions (4):

Myriad Genetics, Inc.
Classification: Benign for Rhabdoid tumor predisposition syndrome 2. Last evaluated: 2026-07-10. Review status: criteria provided, single submitter. Criteria: Myriad Autosomal Dominant, Autosomal Recessive and X-Linked Classification Criteria (2023). Collection method: clinical testing. Allele origin: unknown.
Comment: This variant is considered benign. This variant is a silent/synonymous amino acid change and it is not expected to impact splicing.

Labcorp Genetics (formerly Invitae), Labcorp
Classification: Likely benign for Rhabdoid tumor predisposition syndrome 2. Last evaluated: 2025-09-24. Review status: criteria provided, single submitter. Criteria: Invitae Variant Classification Sherloc (09022015). Collection method: clinical testing. Allele origin: germline.

Ambry Genetics
Classification: Likely benign for Hereditary cancer-predisposing syndrome. Last evaluated: 2016-06-10. Review status: criteria provided, single submitter. Criteria: Ambry Variant Classification Scheme 2023. Collection method: clinical testing. Allele origin: germline.

PreventionGenetics, part of Exact Sciences
Classification: Likely benign for SMARCA4-related condition. Last evaluated: 2023-06-22. Review status: no assertion criteria provided. Collection method: clinical testing. Allele origin: germline. Not counted in ClinVar's aggregate classification.
Comment: This variant is classified as likely benign based on ACMG/AMP sequence variant interpretation guidelines (Richards et al. 2015 PMID: 25741868, with internal and published modifications).

NM_003072.5(SMARCA4):c.1623C>T (p.Leu541=)

Gene: SMARCA4 (SWI/SNF related BAF chromatin remodeling complex subunit ATPase 4; plus strand). Cytogenetic location: 19p13.2.
Variant type: single nucleotide variant.
Coding change: c.1623C>T on transcript NM_003072.5 (MANE Select); coding-DNA position 1623, C replaced by T.
Protein change: p.Leu541=; no amino-acid change (leucine 541 retained).
Molecular consequence: synonymous variant. On other transcripts: non-coding transcript variant (1).
Genome position (GRCh38, 1-based): chr19:10,996,242, C>T. VCF-style: chr19-10996242-C-T. GRCh37 (hg19) VCF-style: chr19-11106918-C-T.
Other names: c.1623C>T, p.Leu541= (NM_001128844.3, NM_001128845.2, NM_001128846.2 and 4 more transcripts).
Identifiers: ClinVar variation 819682 (VCV000819682.15), dbSNP rs145905292, ClinGen allele CA9203848.